The following is an entry in ClinVar:

ClinVar aggregate classification (germline): Uncertain significance. Review status: criteria provided, multiple submitters, no conflicts (2 of 4 stars). 2 submissions from 2 submitters: Uncertain significance (2). Last evaluated 2026-06-25.

Conditions:
Bardet-Biedl syndrome (BBS). Identifiers: Orphanet 110, MedGen C0752166, MONDO:0015229.
WDPCP-related disorder. Also called: WDPCP-related condition.

Allele frequency attached by ClinVar (database versions not stated): gnomAD exomes below 0.00001 and 0.00001; ExAC 0.00001; TOPMed 0.00002; gnomAD 0.00003.
gnomAD v4.1: 5 of 1,613,160 alleles (0.00031%); highest among the groups gnomAD compares: African/African-American, 0.0067%; no homozygotes.

Submissions (2):

PreventionGenetics, part of Exact Sciences
Classification: Uncertain significance for WDPCP-related condition. Last evaluated: 2026-06-25. Review status: criteria provided, single submitter. Criteria: ACMG Guidelines, 2015. Collection method: clinical testing. Allele origin: germline.
Comment: The WDPCP c.806A>G variant is predicted to result in the amino acid substitution p.Tyr269Cys. To our knowledge, this variant has not been reported in the literature. This variant is reported in 0.017% of alleles in individuals of African descent in gnomAD. At this time, the clinical significance of this variant is uncertain due to the absence of conclusive functional and genetic evidence.

Labcorp Genetics (formerly Invitae), Labcorp
Classification: Uncertain significance for Bardet-Biedl syndrome. Last evaluated: 2020-09-24. Review status: criteria provided, single submitter. Criteria: Invitae Variant Classification Sherloc (09022015). Collection method: clinical testing. Allele origin: germline.
Comment: In summary, the available evidence is currently insufficient to determine the role of this variant in disease. Therefore, it has been classified as a Variant of Uncertain Significance. Algorithms developed to predict the effect of missense changes on protein structure and function output the following: SIFT: "Tolerated"; PolyPhen-2: "Benign"; Align-GVGD: "Class C0". The cysteine amino acid residue is found in multiple mammalian species, suggesting that this missense change does not adversely affect protein function. These predictions have not been confirmed by published functional studies and their clinical significance is uncertain. This variant has not been reported in the literature in individuals with WDPCP-related conditions. This variant is present in population databases (rs749575727, ExAC 0.01%). This sequence change replaces tyrosine with cysteine at codon 269 of the WDPCP protein (p.Tyr269Cys). The tyrosine residue is weakly conserved and there is a large physicochemical difference between tyrosine and cysteine.

NM_015910.7(WDPCP):c.806A>G (p.Tyr269Cys)

Gene: WDPCP (WD repeat containing planar cell polarity effector; minus strand). Cytogenetic location: 2p15.
Variant type: single nucleotide variant.
Coding change: c.806A>G on transcript NM_015910.7 (MANE Select); coding-DNA position 806, A replaced by G.
Protein change: p.Tyr269Cys; replaces tyrosine 269 with cysteine.
Molecular consequence: missense variant. On other transcripts: non-coding transcript variant (3).
Genome position (GRCh38, 1-based): chr2:63,433,764, T>C on the plus strand (A>G on the coding strand, the complement: WDPCP is on the minus strand). VCF-style: chr2-63433764-T-C. GRCh37 (hg19) VCF-style: chr2-63660898-T-C.
Other names: c.806A>G (NM_015910.5); c.329A>G, p.Tyr110Cys (NM_001042692.3); c.734A>G, p.Tyr245Cys (NM_001354044.2); c.806A>G, p.Tyr269Cys (NM_001354045.2); short protein forms Y110C, Y245C, Y269C.
Identifiers: ClinVar variation 1002741 (VCV001002741.9), dbSNP rs749575727, ClinGen allele CA1682346.